The following is an entry in ClinVar:

NM_016562.4(TLR7):c.1563C>T (p.Cys521=)

Gene: TLR7 (toll like receptor 7; plus strand). Cytogenetic location: Xp22.2.
Variant type: single nucleotide variant.
Coding change: c.1563C>T on transcript NM_016562.4 (MANE Select); coding-DNA position 1563, C replaced by T.
Protein change: p.Cys521=; no amino-acid change (cysteine 521 retained).
Molecular consequence: synonymous variant.
Genome position (GRCh38, 1-based): chrX:12,887,071, C>T. VCF-style: chrX-12887071-C-T. GRCh37 (hg19) VCF-style: chrX-12905190-C-T.
Identifiers: ClinVar variation 2060903 (VCV002060903.14), dbSNP rs145415086, ClinGen allele CA10350026.

ClinVar aggregate classification (germline): Benign/Likely benign. Review status: criteria provided, multiple submitters, no conflicts (2 of 4 stars). 2 submissions from 2 submitters: Benign (1); Likely benign (1). Last evaluated 2025-12-26.

Allele frequency attached by ClinVar (database versions not stated): ESP Exome Variant Server 0.00019; TOPMed 0.00020; gnomAD 0.00021; ExAC 0.00022; 1000 Genomes Project 30x 0.00104; 1000 Genomes Project 0.00132.
gnomAD v4.1: 109 of 1,209,241 alleles (0.009%); highest among the groups gnomAD compares: East Asian, 0.1%; no homozygotes.

Submissions (2):

Labcorp Genetics (formerly Invitae), Labcorp
Classification: Benign. Last evaluated: 2025-12-26. Review status: criteria provided, single submitter. Criteria: Invitae Variant Classification Sherloc (09022015). Collection method: clinical testing. Allele origin: germline.

CeGaT Center for Human Genetics Tuebingen
Classification: Likely benign. Last evaluated: 2025-06-01. Review status: criteria provided, single submitter. Criteria: CeGaT Center For Human Genetics Tuebingen Variant Classification Criteria Version 2. Collection method: clinical testing. Allele origin: germline. Affected: yes. Observed: 1 variant allele.
Comment: TLR7: BP4, BP7, BS2